The following is an entry in ClinVar:

NM_001953.5(TYMP):c.955C>T (p.His319Tyr)

Genes: TYMP (thymidine phosphorylase; minus strand), LOC130067862 (ATAC-STARR-seq lymphoblastoid silent region 13986; plus strand). Cytogenetic location: 22q13.33.
Variant type: single nucleotide variant.
Coding change: c.955C>T on transcript NM_001953.5 (MANE Select); coding-DNA position 955, C replaced by T.
Protein change: p.His319Tyr; replaces histidine 319 with tyrosine.
Molecular consequence: missense variant.
Genome position (GRCh38, 1-based): chr22:50,526,450, G>A on the plus strand (C>T on the coding strand, the complement: TYMP is on the minus strand). VCF-style: chr22-50526450-G-A. GRCh37 (hg19) VCF-style: chr22-50964879-G-A.
Other names: c.955C>T, p.His319Tyr (NM_001113755.3, NM_001113756.3, NM_001257988.1 and 1 more transcripts); short protein forms H319Y.
Identifiers: ClinVar variation 2014673 (VCV002014673.4), dbSNP rs2069382662, ClinGen allele CA412198239.

ClinVar aggregate classification (germline): Uncertain significance (1 of 4 stars; one submission).

Allele frequency attached by ClinVar (database versions not stated): TOPMed below 0.00001.

Submission:

Labcorp Genetics (formerly Invitae), Labcorp
Classification: Uncertain significance. Last evaluated: 2023-10-13. Review status: criteria provided, single submitter. Criteria: Invitae Variant Classification Sherloc (09022015). Collection method: clinical testing. Allele origin: germline.
Comment: This sequence change replaces histidine, which is basic and polar, with tyrosine, which is neutral and polar, at codon 319 of the TYMP protein (p.His319Tyr). This variant is not present in population databases (gnomAD no frequency). This variant has not been reported in the literature in individuals affected with TYMP-related conditions. ClinVar contains an entry for this variant (Variation ID: 2014673). Advanced modeling of protein sequence and biophysical properties (such as structural, functional, and spatial information, amino acid conservation, physicochemical variation, residue mobility, and thermodynamic stability) performed at Invitae indicates that this missense variant is not expected to disrupt TYMP protein function. In summary, the available evidence is currently insufficient to determine the role of this variant in disease. Therefore, it has been classified as a Variant of Uncertain Significance.